The following is an entry in ClinVar:

ClinVar aggregate classification (germline): Benign/Likely benign. Review status: criteria provided, multiple submitters, no conflicts (2 of 4 stars). 6 submissions from 6 submitters: Benign (1); Likely benign (5). Last evaluated 2025-11-01.

Conditions:
Inborn genetic diseases. Identifiers: MedGen C0950123, MeSH D030342.

Allele frequency attached by ClinVar (database versions not stated): gnomAD exomes 0.00014 and 0.00026; ESP Exome Variant Server 0.00015; gnomAD 0.00019; ExAC 0.00021; TOPMed 0.00022.
gnomAD v4.1: 256 of 1,611,124 alleles (0.016%); highest among the groups gnomAD compares: South Asian, 0.022%; no homozygotes.

Submissions (6):

CeGaT Center for Human Genetics Tuebingen
Classification: Likely benign. Last evaluated: 2025-11-01. Review status: criteria provided, single submitter. Criteria: CeGaT Center For Human Genetics Tuebingen Variant Classification Criteria Version 2. Collection method: clinical testing. Allele origin: germline. Affected: yes. Observed: 2 variant alleles.
Comment: ARID1A: BS1

Labcorp Genetics (formerly Invitae), Labcorp
Classification: Benign. Last evaluated: 2025-09-30. Review status: criteria provided, single submitter. Criteria: Invitae Variant Classification Sherloc (09022015). Collection method: clinical testing. Allele origin: germline.

Blueprint Genetics
Classification: Likely benign. Last evaluated: 2024-11-04. Review status: criteria provided, single submitter. Criteria: ACMG Guidelines, 2015. Collection method: clinical testing. Allele origin: germline.

Ambry Genetics
Classification: Likely benign for Inborn genetic diseases. Last evaluated: 2021-10-12. Review status: criteria provided, single submitter. Criteria: Ambry Variant Classification Scheme 2023. Collection method: clinical testing. Allele origin: germline.

Genetic Services Laboratory, University of Chicago
Classification: Likely benign. Last evaluated: 2021-08-19. Review status: criteria provided, single submitter. Criteria: ACMG Guidelines, 2015. Collection method: clinical testing. Allele origin: germline. Affected: no.

GeneDx
Classification: Likely benign. Last evaluated: 2020-10-23. Review status: criteria provided, single submitter. Criteria: GeneDx Variant Classification Process June 2021. Collection method: clinical testing. Allele origin: germline. Affected: yes.

NM_006015.6(ARID1A):c.2698G>A (p.Ala900Thr)

Gene: ARID1A (AT-rich interaction domain 1A; plus strand). Cytogenetic location: 1p36.11.
Variant type: single nucleotide variant.
Coding change: c.2698G>A on transcript NM_006015.6 (MANE Select); coding-DNA position 2698, G replaced by A.
Protein change: p.Ala900Thr; replaces alanine 900 with threonine.
Molecular consequence: missense variant.
Genome position (GRCh38, 1-based): chr1:26,763,251, G>A. VCF-style: chr1-26763251-G-A. GRCh37 (hg19) VCF-style: chr1-27089742-G-A.
Other names: c.2698G>A, p.Ala900Thr (NM_139135.4); short protein forms A900T.
Identifiers: ClinVar variation 1203777 (VCV001203777.22), dbSNP rs138418893, ClinGen allele CA707046.